The following is an entry in ClinVar:

ClinVar aggregate classification (germline): Uncertain significance. Review status: criteria provided, multiple submitters, no conflicts (2 of 4 stars). 8 submissions from 8 submitters: Uncertain significance (8). Last evaluated 2026-03-01.

Conditions:
Cardiovascular phenotype. Identifiers: MedGen CN230736.
Long QT syndrome (LQTS). Identifiers: MedGen C0023976, MeSH D008133, MONDO:0002442. Disease mechanism: loss of function. Inheritance: Various modes of inheritance.
Cardiac arrhythmia, ankyrin-B-related. Also called: ANKYRIN-B SYNDROME. Identifiers: Orphanet 101016, Orphanet 768, MedGen C1970119, MONDO:0010958, OMIM 600919.

Allele frequency attached by ClinVar (database versions not stated): ExAC 0.00002; gnomAD 0.00002; gnomAD exomes 0.00002 and 0.00005; TOPMed 0.00006; ESP Exome Variant Server 0.00008.
gnomAD v4.1: 78 of 1,614,068 alleles (0.0048%); highest among the groups gnomAD compares: Non-Finnish European, 0.0061%; no homozygotes.

Submissions (8):

CeGaT Center for Human Genetics Tuebingen
Classification: Uncertain significance. Last evaluated: 2026-03-01. Review status: criteria provided, single submitter. Criteria: CeGaT Center For Human Genetics Tuebingen Variant Classification Criteria Version 2. Collection method: clinical testing. Allele origin: germline. Affected: yes. Observed: 1 variant allele.
Comment: ANK2: PS4:Moderate, PM2:Supporting, PS3:Supporting

Labcorp Genetics (formerly Invitae), Labcorp
Classification: Uncertain significance for Long QT syndrome. Last evaluated: 2026-01-13. Review status: criteria provided, single submitter. Criteria: Invitae Variant Classification Sherloc (09022015). Collection method: clinical testing. Allele origin: germline.
Comment: This sequence change replaces arginine, which is basic and polar, with glutamine, which is neutral and polar, at codon 990 of the ANK2 protein (p.Arg990Gln). This variant is present in population databases (rs373261456, gnomAD 0.004%). This missense change has been observed in individual(s) with prolonged QT interval and a history of sudden cardiac arrest, hypertrophic cardiomyopathy, and autism spectrum disorder (PMID: 25351510, 25632041, 28191889). ClinVar contains an entry for this variant (Variation ID: 190560). Invitae Evidence Modeling of protein sequence and biophysical properties (such as structural, functional, and spatial information, amino acid conservation, physicochemical variation, residue mobility, and thermodynamic stability) indicates that this missense variant is not expected to disrupt ANK2 protein function with a negative predictive value of 80%. Experimental studies have shown that this missense change affects ANK2 function (PMID: 25632041). In summary, the available evidence is currently insufficient to determine the role of this variant in disease. Therefore, it has been classified as a Variant of Uncertain Significance.

Ambry Genetics
Classification: Uncertain significance for Cardiovascular phenotype. Last evaluated: 2025-03-05. Review status: criteria provided, single submitter. Criteria: Ambry Variant Classification Scheme 2023. Collection method: clinical testing. Allele origin: germline.
Comment: The p.R990Q variant (also known as c.2969G>A), located in coding exon 27 of the ANK2 gene, results from a G to A substitution at nucleotide position 2969. The arginine at codon 990 is replaced by glutamine, an amino acid with highly similar properties. This variant co-occurred with a variant in the CUL7 gene in an individual from a cohort with autism spectrum/neurodevelopmental disorders (Stessman HA. Nat Genet. 2017 Apr;49(4):515-5260). According to data from gnomAD, the frequency for this variant is above the maximum credible frequency for a cardiac disease-causing variant in this gene based on internally established thresholds (Karczewski et al. Nature. 2020 May;581(7809):434-443; Whiffin et al. Genet Med. 2017 10;19:1151-1158). This amino acid position is highly conserved in available vertebrate species. In addition, this alteration is predicted to be deleterious by in silico analysis. Based on the supporting evidence, the association of this alteration with ANK2-related neurodevelopmental disorder is unknown; however, the association with ANK2-related arrhythmia is unlikely.

KardioGenetik, Herz- und Diabeteszentrum NRW
Classification: Uncertain significance for Cardiac arrhythmia, ankyrin-B-related. Last evaluated: 2024-02-06. Review status: criteria provided, single submitter. Criteria: ACMG Guidelines, 2015. Collection method: clinical testing. Allele origin: unknown. Affected: yes. Observed: 1 variant allele.

GeneDx
Classification: Uncertain significance. Last evaluated: 2023-11-29. Review status: criteria provided, single submitter. Criteria: GeneDx Variant Classification Process June 2021. Collection method: clinical testing. Allele origin: germline. Affected: yes.
Comment: Observed in an individual with a prolonged QTc interval and history of cardiac arrest due to ventricular fibrillation (PMID: 25632041); Observed in an patient with hypertrophic cardiomyopathy (PMID: 25351510) and a patient with LVNC and congenital heart disease in published literature (PMID: 32183154); Not observed at significant frequency in large population cohorts (gnomAD); Published functional studies demonstrated that the p.(R990Q) variant resulted in protein product with decreased spectrin-binding potential as well as improper localization and targeting (PMID: 25632041); In silico analysis supports that this missense variant has a deleterious effect on protein structure/function; This variant is associated with the following publications: (PMID: 25632042, 32164423, 28191889, 33004838, 32183154, 25632041, 25351510)

AiLife Diagnostics
Classification: Uncertain significance. Last evaluated: 2022-01-31. Review status: criteria provided, single submitter. Criteria: ACMG Guidelines, 2015. Collection method: clinical testing. Allele origin: germline. Affected: yes. Observed: 2 variant alleles.

Fulgent Genetics
Classification: Uncertain significance for Cardiac arrhythmia, ankyrin-B-related. Last evaluated: 2021-07-26. Review status: criteria provided, single submitter. Criteria: ACMG Guidelines, 2015. Collection method: clinical testing. Allele origin: unknown.

Revvity Omics, Revvity
Classification: Uncertain significance. Last evaluated: 2019-03-13. Review status: criteria provided, single submitter. Criteria: ACMG Guidelines, 2015. Collection method: clinical testing. Allele origin: germline.

Literature cited by the submitters: PubMed 25351510 (cited by Labcorp Genetics (formerly Invitae), Labcorp and Ambry Genetics); PubMed 25632041 (cited by 3 submitters); PubMed 28191889 (cited by Labcorp Genetics (formerly Invitae), Labcorp and Ambry Genetics); PubMed 33004838 (cited by Ambry Genetics).

NM_001148.6(ANK2):c.2969G>A (p.Arg990Gln)

Gene: ANK2 (ankyrin 2; plus strand). Cytogenetic location: 4q26.
Variant type: single nucleotide variant.
Coding change: c.2969G>A on transcript NM_001148.6 (MANE Select); coding-DNA position 2969, G replaced by A.
Protein change: p.Arg990Gln; replaces arginine 990 with glutamine.
Molecular consequence: missense variant.
Genome position (GRCh38, 1-based): chr4:113,330,314, G>A. VCF-style: chr4-113330314-G-A. GRCh37 (hg19) VCF-style: chr4-114251470-G-A.
Other names: p.R990Q:CGA>CAA; c.2942G>A, p.Arg981Gln (NM_001127493.3); c.2981G>A, p.Arg994Gln (NM_001354225.2); c.2969G>A, p.Arg990Gln (NM_001354228.2, NM_001354258.2, NM_020977.5); c.3047G>A, p.Arg1016Gln (NM_001354230.2, NM_001354237.2); c.3011G>A, p.Arg1004Gln (NM_001354231.2, NM_001354242.2); c.3005G>A, p.Arg1002Gln (NM_001354232.2); c.2966G>A, p.Arg989Gln (NM_001354235.2, NM_001354236.2, NM_001354246.2 and 1 more transcripts); and 24 more; short protein forms R981Q, R990Q, R1004Q, R199Q, R919Q, R994Q, R1016Q, R936Q.
Identifiers: ClinVar variation 190560 (VCV000190560.27), dbSNP rs373261456, ClinGen allele CA300858.